The following is an entry in ClinVar:

NM_022455.5(NSD1):c.383A>G (p.Gln128Arg)

Gene: NSD1 (nuclear receptor binding SET domain protein 1; plus strand). Cytogenetic location: 5q35.3.
Variant type: single nucleotide variant.
Coding change: c.383A>G on transcript NM_022455.5 (MANE Select); coding-DNA position 383, A replaced by G.
Protein change: p.Gln128Arg; replaces glutamine 128 with arginine.
Molecular consequence: missense variant. On other transcripts: intron variant (7).
Genome position (GRCh38, 1-based): chr5:177,135,486, A>G. VCF-style: chr5-177135486-A-G. GRCh37 (hg19) VCF-style: chr5-176562487-A-G.
Other names: c.383A>G, p.Gln128Arg (NM_001409301.1, NM_001409302.1, NM_001409303.1 and 1 more transcripts); c.-37+286A>G (NM_001409305.1, NM_001409306.1, NM_001409308.1 and 4 more transcripts); short protein forms Q128R.
Identifiers: ClinVar variation 1697178 (VCV001697178.3), dbSNP rs764617265, ClinGen allele CA3576878.

ClinVar aggregate classification (germline): Uncertain significance. Review status: criteria provided, multiple submitters, no conflicts (2 of 4 stars). 2 submissions from 2 submitters: Uncertain significance (2). Last evaluated 2024-04-08.

Conditions:
Sotos syndrome (SOTOS). Also called: Sotos' syndrome; Distinctive facial appearance, overgrowth in childhood, and learning disabilities or delayed development; CHROMOSOME 5q35 DELETION SYNDROME; CEREBRAL GIGANTISM; SOTOS SYNDROME 1. Identifiers: Orphanet 821, MedGen C0175695, MONDO:0019349, OMIM 117550.

Allele frequency attached by ClinVar (database versions not stated): ExAC 0.00001; gnomAD 0.00001; gnomAD exomes below 0.00001.
gnomAD v4.1: 2 of 1,614,118 alleles (0.00012%); highest among the groups gnomAD compares: African/African-American, 0.0027%; no homozygotes.

Submissions (2):

Fulgent Genetics
Classification: Uncertain significance for Sotos syndrome. Last evaluated: 2024-04-08. Review status: criteria provided, single submitter. Criteria: ACMG Guidelines, 2015. Collection method: clinical testing. Allele origin: germline.

GeneDx
Classification: Uncertain significance. Last evaluated: 2022-01-14. Review status: criteria provided, single submitter. Criteria: GeneDx Variant Classification Process June 2021. Collection method: clinical testing. Allele origin: germline. Affected: yes.
Comment: In silico analysis supports that this missense variant does not alter protein structure/function; Has not been previously published as pathogenic or benign to our knowledge